The following is an entry in ClinVar:

NM_024301.5(FKRP):c.961G>A (p.Ala321Thr)

Gene: FKRP (fukutin related protein; plus strand). Cytogenetic location: 19q13.32.
Variant type: single nucleotide variant.
Coding change: c.961G>A on transcript NM_024301.5 (MANE Select); coding-DNA position 961, G replaced by A.
Protein change: p.Ala321Thr; replaces alanine 321 with threonine.
Molecular consequence: missense variant.
Genome position (GRCh38, 1-based): chr19:46,756,411, G>A. VCF-style: chr19-46756411-G-A. GRCh37 (hg19) VCF-style: chr19-47259668-G-A.
Other names: c.961G>A, p.Ala321Thr (NM_001039885.3); short protein forms A321T.
Identifiers: ClinVar variation 2143658 (VCV002143658.2), dbSNP rs1300365457, ClinGen allele CA406496366.
Genomic context (GRCh38, chr19:46,756,411, plus strand): 5'-GTGGGCGACACGCCCGCCTACCTCTACGAGGAGCGCTGGACGCCCCCCTGCTGCCTGCGC[G>A]CGCTGCGCGAGACCGCCCGCTATGTGGTGGGCGTGCTGGAGGCTGCGGGCGTGCGCTACT-3'
Protein context (NP_077277.1, residues 311-331): ERWTPPCCLR[Ala321Thr]LRETARYVVG

ClinVar aggregate classification (germline): Conflicting classifications of pathogenicity. Review status: criteria provided, conflicting classifications (1 of 4 stars). 2 submissions from 2 submitters: Likely pathogenic (1); Uncertain significance (1). Last evaluated 2025-04-10.

Conditions:
Walker-Warburg congenital muscular dystrophy. Also called: Muscular dystrophy-dystroglycanopathy, type A; Walker-Warburg syndrome. Identifiers: Orphanet 899, MedGen C0265221, MONDO:0000171.
Myopathy caused by variation in FKRP. Identifiers: MedGen CN305637, MONDO:0700066.

Allele frequency attached by ClinVar (database versions not stated): gnomAD exomes below 0.00001.

Submissions (2):

Myriad Genetics, Inc.
Classification: Likely pathogenic for Myopathy caused by variation in FKRP. Last evaluated: 2025-04-10. Review status: criteria provided, single submitter. Criteria: Myriad Autosomal Dominant, Autosomal Recessive and X-Linked Classification Criteria (2023). Collection method: clinical testing. Allele origin: unknown.
Comment: NM_024301.4(FKRP):c.961G>A(A321T) is a missense variant classified as likely pathogenic in the context of FKRP-related disorders. A321T has been observed in cases with relevant disease (PMID: 33200426, 37730220 ). Relevant functional assessments of this variant are not available in the literature. Internal structural analysis of the variant is supportive of pathogenicity. A321T has been observed in referenced population frequency databases. In summary, NM_024301.4(FKRP):c.961G>A(A321T) is a missense variant that has internal structural support for pathogenicity and has been observed more frequently in cases with the relevant disease than in healthy populations. Please note: this variant was assessed in the context of healthy population screening.

Labcorp Genetics (formerly Invitae), Labcorp
Classification: Uncertain significance for Walker-Warburg congenital muscular dystrophy. Last evaluated: 2022-07-05. Review status: criteria provided, single submitter. Criteria: Invitae Variant Classification Sherloc (09022015). Collection method: clinical testing. Allele origin: germline.
Comment: This sequence change replaces alanine, which is neutral and non-polar, with threonine, which is neutral and polar, at codon 321 of the FKRP protein (p.Ala321Thr). The frequency data for this variant in the population databases is considered unreliable, as metrics indicate poor data quality at this position in the gnomAD database. This missense change has been observed in individual(s) with limb-girdle muscular dystrophy (PMID: 33200426). Algorithms developed to predict the effect of missense changes on protein structure and function are either unavailable or do not agree on the potential impact of this missense change (SIFT: "Tolerated"; PolyPhen-2: "Probably Damaging"; Align-GVGD: "Class C0"). This variant disrupts the p.Ala321 amino acid residue in FKRP. Other variant(s) that disrupt this residue have been determined to be pathogenic (PMID: 16143867, 31268217). This suggests that this residue is clinically significant, and that variants that disrupt this residue are likely to be disease-causing. In summary, the available evidence is currently insufficient to determine the role of this variant in disease. Therefore, it has been classified as a Variant of Uncertain Significance.

Literature cited by the submitters: PubMed 33200426 (cited by Myriad Genetics, Inc. and Labcorp Genetics (formerly Invitae), Labcorp); PubMed 37730220 (cited by Myriad Genetics, Inc.); PubMed 16143867 (cited by Labcorp Genetics (formerly Invitae), Labcorp); PubMed 31268217 (cited by Labcorp Genetics (formerly Invitae), Labcorp).